The following is an entry in ClinVar:

ClinVar aggregate classification (germline): Uncertain significance. Review status: criteria provided, multiple submitters, no conflicts (2 of 4 stars). 2 submissions from 2 submitters: Uncertain significance (2). Last evaluated 2022-08-31.

Conditions:
Peroxisome biogenesis disorder 7A (Zellweger). Also called: Peroxisome biogenesis disorder 7A. Identifiers: Orphanet 912, MedGen C3888385, MONDO:0013938, OMIM 614872.
Peroxisome biogenesis disorder 7B (PBD7B). Identifiers: Orphanet 44, MedGen C3553951, MONDO:0013939, OMIM 614873.

Allele frequency attached by ClinVar (database versions not stated): ExAC 0.00002; gnomAD exomes 0.00002 and 0.00004.
gnomAD v4.1: 12 of 1,614,122 alleles (0.00074%); highest among the groups gnomAD compares: East Asian, 0.027%; no homozygotes.

Submissions (2):

Labcorp Genetics (formerly Invitae), Labcorp
Classification: Uncertain significance for Peroxisome biogenesis disorder 7A (Zellweger); Peroxisome biogenesis disorder 7B. Last evaluated: 2022-08-31. Review status: criteria provided, single submitter. Criteria: Invitae Variant Classification Sherloc (09022015). Collection method: clinical testing. Allele origin: germline.
Comment: This sequence change replaces leucine, which is neutral and non-polar, with isoleucine, which is neutral and non-polar, at codon 145 of the PEX26 protein (p.Leu145Ile). This variant is present in population databases (rs774434641, gnomAD 0.05%). This variant has not been reported in the literature in individuals affected with PEX26-related conditions. ClinVar contains an entry for this variant (Variation ID: 1380402). Algorithms developed to predict the effect of missense changes on protein structure and function output the following: SIFT: "Deleterious"; PolyPhen-2: "Benign"; Align-GVGD: "Class C0". The isoleucine amino acid residue is found in multiple mammalian species, which suggests that this missense change does not adversely affect protein function. In summary, the available evidence is currently insufficient to determine the role of this variant in disease. Therefore, it has been classified as a Variant of Uncertain Significance.

Blueprint Genetics
Classification: Uncertain significance. Last evaluated: 2019-09-19. Review status: criteria provided, single submitter. Criteria: ACMG Guidelines, 2015. Collection method: clinical testing. Allele origin: germline.

NM_001127649.3(PEX26):c.433C>A (p.Leu145Ile)

Gene: PEX26 (peroxisomal biogenesis factor 26; plus strand). Cytogenetic location: 22q11.21.
Variant type: single nucleotide variant.
Coding change: c.433C>A on transcript NM_001127649.3 (MANE Select); coding-DNA position 433, C replaced by A.
Protein change: p.Leu145Ile; replaces leucine 145 with isoleucine.
Molecular consequence: missense variant.
Genome position (GRCh38, 1-based): chr22:18,083,498, C>A. VCF-style: chr22-18083498-C-A. GRCh37 (hg19) VCF-style: chr22-18566264-C-A.
Other names: c.433C>A, p.Leu145Ile (NM_001199319.2, NM_017929.6); short protein forms L145I.
Identifiers: ClinVar variation 1380402 (VCV001380402.4), dbSNP rs774434641, ClinGen allele CA10093326.